The following is an entry in ClinVar:

NM_024312.5(GNPTAB):c.2098dup (p.Ile700fs)

Gene: GNPTAB (N-acetylglucosamine-1-phosphate transferase subunits alpha and beta; minus strand). Cytogenetic location: 12q23.2.
Variant type: Duplication.
Coding change: c.2098dup on transcript NM_024312.5 (MANE Select); coding-DNA position 2098, one base duplicated (A; older notation c.2098dupA).
Protein change: p.Ile700fs; shifts the reading frame from isoleucine 700.
Molecular consequence: frameshift variant.
Genome position (GRCh38, 1-based): chr12:101,764,819, T duplicated on the plus strand (A on the coding strand, the reverse complement: GNPTAB is on the minus strand). VCF-style (leftmost placement, unchanged base first): chr12-101764818-A-AT. GRCh37 (hg19) VCF-style: chr12-102158596-A-AT.
Other names: short protein forms I700fs.
Identifiers: ClinVar variation 1452514 (VCV001452514.6), dbSNP rs2137117072, ClinGen allele CA2573147950.
Genomic context (GRCh38, chr12:101,764,818, plus strand): 5'-TGTTCCAGTTGCAAATCCAAGGTATTGAGACTCAACTGGGCGTCTTTTGGAAGGAGTGAA[A>AT]TATTTACCAGGGGAATTTTCACCTCTTCCTGGGCTCTCCTTGTTGAGTTAACATCATGTC-3'

ClinVar aggregate classification (germline): Pathogenic (1 of 4 stars; one submission).

Conditions:
Pseudo-Hurler polydystrophy. Also called: ML III; ML III ALPHA/BETA; MUCOLIPIDOSIS IIIA; Type III Mucolipidosis; ML IIIA; Mucolipidosis III Alpha/Beta. Identifiers: Orphanet 423461, Orphanet 577, MedGen C0033788, MONDO:0018931, OMIM 252600.
Mucolipidosis type II. Also called: ML II ALPHA/BETA; Mucolipidosis 2; ML 2; Inclusion cell disease; Leroy Disease; N-acetylglucosamine 1phosphotransferase deficiency. Identifiers: Orphanet 576, MedGen C2673377, MONDO:0009650, OMIM 252500.

Submission:

Labcorp Genetics (formerly Invitae), Labcorp
Classification: Pathogenic for Pseudo-Hurler polydystrophy; Mucolipidosis type II. Last evaluated: 2021-07-19. Review status: criteria provided, single submitter. Criteria: Invitae Variant Classification Sherloc (09022015). Collection method: clinical testing. Allele origin: germline.
Comment: This sequence change creates a premature translational stop signal (p.Ile700Asnfs*48) in the GNPTAB gene. It is expected to result in an absent or disrupted protein product. Loss-of-function variants in GNPTAB are known to be pathogenic (PMID: 19617216, 25107912). This variant is not present in population databases (ExAC no frequency). This variant has not been reported in the literature in individuals affected with GNPTAB-related conditions. For these reasons, this variant has been classified as Pathogenic.

Literature cited by the submitters: PubMed 19617216; PubMed 25107912.